The following is an entry in ClinVar:

NM_003477.3(PDHX):c.343-7A>C

Gene: PDHX (pyruvate dehydrogenase complex component X; plus strand). Cytogenetic location: 11p13.
Variant type: single nucleotide variant.
Coding change: c.343-7A>C on transcript NM_003477.3 (MANE Select); 7 bases into the intron before coding-DNA position 343, A replaced by C.
Molecular consequence: intron variant.
Genome position (GRCh38, 1-based): chr11:34,957,377, A>C. VCF-style: chr11-34957377-A-C. GRCh37 (hg19) VCF-style: chr11-34978924-A-C.
Other names: c.163-7A>C (NM_001135024.2); c.342+9771A>C (NM_001166158.2).
Identifiers: ClinVar variation 1103998 (VCV001103998.9), dbSNP rs764804589, ClinGen allele CA5945844.

ClinVar aggregate classification (germline): Conflicting classifications of pathogenicity. Review status: criteria provided, conflicting classifications (1 of 4 stars). 2 submissions from 2 submitters: Uncertain significance (1); Likely benign (1). Last evaluated 2023-03-01.

Allele frequency attached by ClinVar (database versions not stated): ExAC 0.00001; gnomAD exomes below 0.00001; TOPMed below 0.00001.
gnomAD v4.1: 1 of 1,566,838 alleles (0.000064%); highest among the groups gnomAD compares: Admixed American, 0.0017%; no homozygotes.

Submissions (2):

GeneDx
Classification: Uncertain significance. Last evaluated: 2023-03-01. Review status: criteria provided, single submitter. Criteria: GeneDx Variant Classification Process June 2021. Collection method: clinical testing. Allele origin: germline. Affected: yes.
Comment: Has not been previously published as pathogenic or benign to our knowledge; Not observed at significant frequency in large population cohorts (gnomAD); In silico analysis supports that this variant does not alter splicing

Labcorp Genetics (formerly Invitae), Labcorp
Classification: Likely benign. Last evaluated: 2022-08-23. Review status: criteria provided, single submitter. Criteria: Invitae Variant Classification Sherloc (09022015). Collection method: clinical testing. Allele origin: germline.